The following is an entry in ClinVar:

ClinVar aggregate classification (germline): Pathogenic. Review status: criteria provided, multiple submitters, no conflicts (2 of 4 stars). 4 submissions from 4 submitters: Pathogenic (3). 1 of the submissions does not count toward it. Last evaluated 2024-06-24.

Conditions:
Corneal dystrophy, Fuchs endothelial, 4 (FECD4). Identifiers: Orphanet 98974, MedGen C2750450, MONDO:0013204, OMIM 613268.
Corneal dystrophy-perceptive deafness syndrome (CDPD). Also called: HARBOYAN SYNDROME; CORNEAL DYSTROPHY AND SENSORINEURAL DEAFNESS. Identifiers: Orphanet 1490, MedGen C1857572, MONDO:0009015, OMIM 217400.
Congenital hereditary endothelial dystrophy of cornea. Also called: Congenital hereditary endothelial dystrophy of the cornea; Maumenee corneal dystrophy; Corneal endothelial dystrophy, autosomal recessive; CORNEAL DYSTROPHY, CONGENITAL HEREDITARY ENDOTHELIAL; Congenital hereditary endothelial dystrophy type II. Identifiers: Orphanet 293603, MedGen C1857569, MONDO:0009019, OMIM 217700.

gnomAD v4.1: 3 of 1,613,992 alleles (0.00019%); highest among the groups gnomAD compares: East Asian, 0.0067%; no homozygotes.

Submissions (4):

Fulgent Genetics
Classification: Pathogenic for Corneal dystrophy-perceptive deafness syndrome; Congenital hereditary endothelial dystrophy of cornea; Corneal dystrophy, Fuchs endothelial, 4. Last evaluated: 2024-06-24. Review status: criteria provided, single submitter. Criteria: ACMG Guidelines, 2015. Collection method: clinical testing. Allele origin: germline.

Labcorp Genetics (formerly Invitae), Labcorp
Classification: Pathogenic. Last evaluated: 2024-01-04. Review status: criteria provided, single submitter. Criteria: Invitae Variant Classification Sherloc (09022015). Collection method: clinical testing. Allele origin: germline.
Comment: This sequence change creates a premature translational stop signal (p.Cys386*) in the SLC4A11 gene. It is expected to result in an absent or disrupted protein product. Loss-of-function variants in SLC4A11 are known to be pathogenic (PMID: 17220209, 17679935). This variant is not present in population databases (gnomAD no frequency). This premature translational stop signal has been observed in individual(s) with congenital hereditary endothelial dystrophy (PMID: 23615275). This variant is also known as c.1239C>A (p.Cys413*. ClinVar contains an entry for this variant (Variation ID: 666996). For these reasons, this variant has been classified as Pathogenic.

Laboratory for Molecular Medicine, Mass General Brigham Personalized Medicine
Classification: Pathogenic for Corneal endothelial dystrophy type 2. Last evaluated: 2018-12-12. Review status: criteria provided, single submitter. Criteria: LMM Criteria. Collection method: clinical testing. Allele origin: germline. Inheritance: Autosomal recessive inheritance. Observed: 1 variant allele.
Comment: The p.Cys413X variant in SLC4A11 has been reported in 1 homozygous individual wi th corneal endothelial dystrophy 2 (Park 2013). It was absent from large populat ion studies. This nonsense variant leads to a premature termination codon at pos ition 413, which is predicted to lead to a truncated or absent protein. Loss of function of the SLC4A11 gene is an established disease mechanism in corneal endo thelial dystrophy 2. In summary, this variant meets criteria to be classified as pathogenic for corneal endothelial dystrophy 2 in an autosomal recessive manner . ACMG/AMP Criteria applied: PVS1, PM2, PM3_Supporting.

Natera, Inc.
Classification: Pathogenic for Corneal dystrophy-perceptive deafness syndrome. Last evaluated: 2020-12-22. Review status: no assertion criteria provided. Collection method: clinical testing. Allele origin: germline. Not counted in ClinVar's aggregate classification.

Literature cited by the submitters: PubMed 17220209 (cited by Labcorp Genetics (formerly Invitae), Labcorp); PubMed 17679935 (cited by Labcorp Genetics (formerly Invitae), Labcorp); PubMed 23615275 (cited by Labcorp Genetics (formerly Invitae), Labcorp and Laboratory for Molecular Medicine, Mass General Brigham Personalized Medicine).

NM_001174089.2(SLC4A11):c.1110C>A (p.Cys370Ter)

Gene: SLC4A11 (solute carrier family 4 member 11; minus strand). Cytogenetic location: 20p13.
Variant type: single nucleotide variant.
Coding change: c.1110C>A on transcript NM_001174089.2 (MANE Select); coding-DNA position 1110, C replaced by A.
Protein change: p.Cys370Ter; replaces cysteine 370 with a stop codon.
Molecular consequence: nonsense. On other transcripts: non-coding transcript variant (1).
Genome position (GRCh38, 1-based): chr20:3,230,991, G>T on the plus strand (C>A on the coding strand, the complement: SLC4A11 is on the minus strand). VCF-style: chr20-3230991-G-T. GRCh37 (hg19) VCF-style: chr20-3211637-G-T.
Other names: c.1239C>A, p.Cys413Ter (NM_001174090.2); c.1110C>A, p.Cys370Ter (NM_001363745.2); c.1158C>A, p.Cys386Ter (NM_032034.4); c.1158C>A (NM_032034.3); short protein forms C370*, C386*, C413*.
Identifiers: ClinVar variation 666996 (VCV000666996.13), dbSNP rs1363770105, ClinGen allele CA408089201.